The following is an entry in ClinVar:

NM_004360.5(CDH1):c.788C>T (p.Thr263Ile)

Gene: CDH1 (cadherin 1; plus strand). Cytogenetic location: 16q22.1.
Variant type: single nucleotide variant.
Coding change: c.788C>T on transcript NM_004360.5 (MANE Select); coding-DNA position 788, C replaced by T.
Protein change: p.Thr263Ile; replaces threonine 263 with isoleucine.
Molecular consequence: missense variant. On other transcripts: 5 prime UTR variant (2).
Genome position (GRCh38, 1-based): chr16:68,810,297, C>T. VCF-style: chr16-68810297-C-T. GRCh37 (hg19) VCF-style: chr16-68844200-C-T.
Other names: c.788C>T (LRG_301t1, NM_004360.4); c.788C>T, p.Thr263Ile (NM_001317184.2); c.-828C>T (NM_001317185.2); c.-1032C>T (NM_001317186.2); short protein forms T263I.
Identifiers: ClinVar variation 463793 (VCV000463793.13), dbSNP rs1555515456, ClinGen allele CA396458765.

ClinVar aggregate classification (germline): Conflicting classifications of pathogenicity. Review status: criteria provided, conflicting classifications (1 of 4 stars). 3 submissions from 3 submitters: Uncertain significance (2); Likely benign (1). Last evaluated 2025-08-04.

Conditions:
CDH1-related diffuse gastric and lobular breast cancer syndrome. Also called: CDH1-related diffuse gastric and lobular breast cancer. Identifiers: MedGen CN311521, MONDO:0100488.
Hereditary cancer-predisposing syndrome. Also called: Hereditary neoplastic syndrome; Neoplastic Syndromes, Hereditary; Tumor predisposition; Hereditary Cancer Syndrome. Identifiers: Orphanet 140162, MedGen C0027672, MeSH D009386, MONDO:0015356.
Hereditary diffuse gastric adenocarcinoma (HDGC). Also called: DIFFUSE GASTRIC AND LOBULAR BREAST CANCER SYNDROME. Identifiers: Orphanet 26106, MedGen C1708349, MONDO:0007648, OMIM 137215.

Allele frequency attached by ClinVar (database versions not stated): gnomAD exomes below 0.00001.
gnomAD v4.1: 2 of 1,614,064 alleles (0.00012%); highest among the groups gnomAD compares: Non-Finnish European, 0.00017%; no homozygotes.

Submissions (3):

Labcorp Genetics (formerly Invitae), Labcorp
Classification: Uncertain significance for Hereditary diffuse gastric adenocarcinoma. Last evaluated: 2025-08-04. Review status: criteria provided, single submitter. Criteria: Invitae Variant Classification Sherloc (09022015). Collection method: clinical testing. Allele origin: germline.
Comment: This sequence change replaces threonine, which is neutral and polar, with isoleucine, which is neutral and non-polar, at codon 263 of the CDH1 protein (p.Thr263Ile). This variant is not present in population databases (gnomAD no frequency). This variant has not been reported in the literature in individuals affected with CDH1-related conditions. ClinVar contains an entry for this variant (Variation ID: 463793). An algorithm developed to predict the effect of missense changes on protein structure and function outputs the following: PolyPhen-2: "Benign". The isoleucine amino acid residue is found in multiple mammalian species, which suggests that this missense change does not adversely affect protein function. In summary, the available evidence is currently insufficient to determine the role of this variant in disease. Therefore, it has been classified as a Variant of Uncertain Significance.

Ambry Genetics
Classification: Likely benign for Hereditary cancer-predisposing syndrome. Last evaluated: 2024-06-13. Review status: criteria provided, single submitter. Criteria: Ambry Variant Classification Scheme 2023. Collection method: clinical testing. Allele origin: germline.

Department of Pathology and Laboratory Medicine, Sinai Health System
Classification: Uncertain significance for CDH1-related diffuse gastric and lobular breast cancer syndrome. Last evaluated: 2020-12-11. Review status: criteria provided, single submitter. Criteria: ACMG Guidelines, 2015. Collection method: clinical testing. Allele origin: germline. Affected: yes.